The following is an entry in ClinVar:

NM_000540.3(RYR1):c.8709C>A (p.Pro2903=)

Gene: RYR1 (ryanodine receptor 1; plus strand). Cytogenetic location: 19q13.2.
Variant type: single nucleotide variant.
Coding change: c.8709C>A on transcript NM_000540.3 (MANE Select); coding-DNA position 8709, C replaced by A.
Protein change: p.Pro2903=; no amino-acid change (proline 2903 retained).
Molecular consequence: synonymous variant.
Genome position (GRCh38, 1-based): chr19:38,506,845, C>A. VCF-style: chr19-38506845-C-A. GRCh37 (hg19) VCF-style: chr19-38997485-C-A.
Other names: c.8709C>A, p.Pro2903= (NM_001042723.2).
Identifiers: ClinVar variation 3072182 (VCV003072182.1), dbSNP rs372055058, ClinGen allele CA072599.

ClinVar aggregate classification (germline): Likely benign (1 of 4 stars; one submission).

Conditions:
Malignant hyperthermia, susceptibility to, 1 (MHS1). Also called: Anesthesia related hyperthermia; Malignant hyperpyrexia; Fulminating hyperpyrexia; Pharmacogenic myopathy; RYR1-Related Malignant Hyperthermia Susceptibility; Malignant hyperthermia suceptibility 1. Identifiers: Orphanet 423, MedGen C2930980, MONDO:0007783, OMIM 145600.

gnomAD v4.1: 7 of 1,614,066 alleles (0.00043%); highest among the groups gnomAD compares: South Asian, 0.0055%; no homozygotes.

Submission:

All of Us Research Program, National Institutes of Health
Classification: Likely benign for Malignant hyperthermia, susceptibility to, 1. Last evaluated: 2023-12-18. Review status: criteria provided, single submitter. Criteria: ACMG Guidelines, 2015. Collection method: clinical testing. Allele origin: germline. Inheritance: Autosomal dominant inheritance. Observed: 2 variant alleles, 2 heterozygotes.
Comment: This study involves interpretation of variants in research participants for the purpose of population health screening. Participant phenotype was not available at the time of variant classification. Additional details can be found in publication PMID: 35346344, PMCID: PMC8962531